The following is an entry in ClinVar:

ClinVar aggregate classification (germline): Benign/Likely benign. Review status: criteria provided, multiple submitters, no conflicts (2 of 4 stars). 2 submissions from 2 submitters: Benign (1); Likely benign (1). Last evaluated 2025-08-18.

gnomAD v4.1: 991 of 1,597,064 alleles (0.062%); highest among the groups gnomAD compares: South Asian, 1%; 11 homozygotes.

Submissions (2):

Labcorp Genetics (formerly Invitae), Labcorp
Classification: Benign. Last evaluated: 2025-08-18. Review status: criteria provided, single submitter. Criteria: Invitae Variant Classification Sherloc (09022015). Collection method: clinical testing. Allele origin: germline.

CeGaT Center for Human Genetics Tuebingen
Classification: Likely benign. Last evaluated: 2025-08-01. Review status: criteria provided, single submitter. Criteria: CeGaT Center For Human Genetics Tuebingen Variant Classification Criteria Version 2. Collection method: clinical testing. Allele origin: germline. Affected: yes. Observed: 1 variant allele.
Comment: TRIM28: BP4, BP7

NM_005762.3(TRIM28):c.570T>C (p.His190=)

Gene: TRIM28 (tripartite motif containing 28; plus strand). Cytogenetic location: 19q13.43.
Variant type: single nucleotide variant.
Coding change: c.570T>C on transcript NM_005762.3 (MANE Select); coding-DNA position 570, T replaced by C.
Protein change: p.His190=; no amino-acid change (histidine 190 retained).
Molecular consequence: synonymous variant.
Genome position (GRCh38, 1-based): chr19:58,545,880, T>C. VCF-style: chr19-58545880-T-C. GRCh37 (hg19) VCF-style: chr19-59057247-T-C.
Identifiers: ClinVar variation 3704553 (VCV003704553.10).